The following is an entry in ClinVar:

NM_001111.5(ADAR):c.3520C>T (p.Arg1174Cys)

Gene: ADAR (adenosine deaminase RNA specific; minus strand). Cytogenetic location: 1q21.3.
Variant type: single nucleotide variant.
Coding change: c.3520C>T on transcript NM_001111.5 (MANE Select); coding-DNA position 3520, C replaced by T.
Protein change: p.Arg1174Cys; replaces arginine 1174 with cysteine.
Molecular consequence: missense variant.
Genome position (GRCh38, 1-based): chr1:154,584,967, G>A on the plus strand (C>T on the coding strand, the complement: ADAR is on the minus strand). VCF-style: chr1-154584967-G-A. GRCh37 (hg19) VCF-style: chr1-154557443-G-A.
Other names: c.2635C>T, p.Arg879Cys (NM_001025107.3, NM_001193495.2, NM_001365046.1 and 2 more transcripts); c.3547C>T, p.Arg1183Cys (NM_001365045.1); c.2557C>T, p.Arg853Cys (NM_001365049.1); c.3442C>T, p.Arg1148Cys (NM_015840.4); c.3385C>T, p.Arg1129Cys (NM_015841.4); short protein forms R1129C, R1148C, R1174C, R1183C, R853C, R879C.
Identifiers: ClinVar variation 3748640 (VCV003748640.10).

ClinVar aggregate classification (germline): Uncertain significance. Review status: criteria provided, multiple submitters, no conflicts (2 of 4 stars). 2 submissions from 2 submitters: Uncertain significance (2). Last evaluated 2025-06-01.

Conditions:
Symmetrical dyschromatosis of extremities (DSH). Also called: Dyschromatosis symmetrica hereditaria; DYSCHROMATOSIS SYMMETRICA HEREDITARIA 1; RETICULATE ACROPIGMENTATION OF DOHI; SYMMETRIC DYSCHROMATOSIS OF THE EXTREMITIES. Identifiers: Orphanet 41, MedGen C0406775, MONDO:0007483, OMIM 127400.
Aicardi-Goutieres syndrome 6 (AGS6). Identifiers: Orphanet 51, MedGen C3539013, MONDO:0014007, OMIM 615010.

gnomAD v4.1: 5 of 1,614,022 alleles (0.00031%); highest among the groups gnomAD compares: Middle Eastern, 0.016%; no homozygotes.

Submissions (2):

CeGaT Center for Human Genetics Tuebingen
Classification: Uncertain significance. Last evaluated: 2025-06-01. Review status: criteria provided, single submitter. Criteria: CeGaT Center For Human Genetics Tuebingen Variant Classification Criteria Version 2. Collection method: clinical testing. Allele origin: germline. Affected: yes. Observed: 1 variant allele.
Comment: ADAR: PM2

Labcorp Genetics (formerly Invitae), Labcorp
Classification: Uncertain significance for Aicardi-Goutieres syndrome 6; Symmetrical dyschromatosis of extremities. Last evaluated: 2024-11-02. Review status: criteria provided, single submitter. Criteria: Invitae Variant Classification Sherloc (09022015). Collection method: clinical testing. Allele origin: germline.
Comment: This sequence change replaces arginine, which is basic and polar, with cysteine, which is neutral and slightly polar, at codon 1174 of the ADAR protein (p.Arg1174Cys). This variant is present in population databases (no rsID available, gnomAD 0.007%). This variant has not been reported in the literature in individuals affected with ADAR-related conditions. Invitae Evidence Modeling of protein sequence and biophysical properties (such as structural, functional, and spatial information, amino acid conservation, physicochemical variation, residue mobility, and thermodynamic stability) indicates that this missense variant is not expected to disrupt ADAR protein function with a negative predictive value of 80%. In summary, the available evidence is currently insufficient to determine the role of this variant in disease. Therefore, it has been classified as a Variant of Uncertain Significance.